The following continues an entry in ClinVar:

NM_014140.4(SMARCAL1):c.2070T>C (p.Thr690=)

Gene: SMARCAL1. ClinVar aggregate classification (germline): Benign. Benign (8).

Submissions 32 to 75 of 75:

Dr. Peter K. Rogan Lab, Western University
No classification provided (evidence only). Condition: Chronic lymphocytic leukemia/small lymphocytic lymphoma. Review status: no classification provided. Collection method: in vitro. Allele origin: not applicable. Functional consequence: retained intron. Not counted in ClinVar's aggregate classification.

Dr. Peter K. Rogan Lab, Western University
No classification provided (evidence only). Condition: Chronic lymphocytic leukemia/small lymphocytic lymphoma. Review status: no classification provided. Collection method: in vitro. Allele origin: not applicable. Functional consequence: retained intron. Not counted in ClinVar's aggregate classification.

Dr. Peter K. Rogan Lab, Western University
No classification provided (evidence only). Condition: Chronic lymphocytic leukemia/small lymphocytic lymphoma. Review status: no classification provided. Collection method: in vitro. Allele origin: not applicable. Functional consequence: retained intron. Not counted in ClinVar's aggregate classification.

Dr. Peter K. Rogan Lab, Western University
No classification provided (evidence only). Condition: Chronic lymphocytic leukemia/small lymphocytic lymphoma. Review status: no classification provided. Collection method: in vitro. Allele origin: not applicable. Functional consequence: retained intron. Not counted in ClinVar's aggregate classification.

Dr. Peter K. Rogan Lab, Western University
No classification provided (evidence only). Condition: Nonpapillary renal cell carcinoma. Review status: no classification provided. Collection method: in vitro. Allele origin: not applicable. Functional consequence: retained intron. Not counted in ClinVar's aggregate classification.

Dr. Peter K. Rogan Lab, Western University
No classification provided (evidence only). Condition: Nonpapillary renal cell carcinoma. Review status: no classification provided. Collection method: in vitro. Allele origin: not applicable. Functional consequence: retained intron. Not counted in ClinVar's aggregate classification.

Dr. Peter K. Rogan Lab, Western University
No classification provided (evidence only). Condition: Nonpapillary renal cell carcinoma. Review status: no classification provided. Collection method: in vitro. Allele origin: not applicable. Functional consequence: retained intron. Not counted in ClinVar's aggregate classification.

Dr. Peter K. Rogan Lab, Western University
No classification provided (evidence only). Condition: Nonpapillary renal cell carcinoma. Review status: no classification provided. Collection method: in vitro. Allele origin: not applicable. Functional consequence: retained intron. Not counted in ClinVar's aggregate classification.

Dr. Peter K. Rogan Lab, Western University
No classification provided (evidence only). Condition: Nonpapillary renal cell carcinoma. Review status: no classification provided. Collection method: in vitro. Allele origin: not applicable. Functional consequence: retained intron. Not counted in ClinVar's aggregate classification.

Dr. Peter K. Rogan Lab, Western University
No classification provided (evidence only). Condition: Nonpapillary renal cell carcinoma. Review status: no classification provided. Collection method: in vitro. Allele origin: not applicable. Functional consequence: retained intron. Not counted in ClinVar's aggregate classification.

Dr. Peter K. Rogan Lab, Western University
No classification provided (evidence only). Condition: Nonpapillary renal cell carcinoma. Review status: no classification provided. Collection method: in vitro. Allele origin: not applicable. Functional consequence: retained intron. Not counted in ClinVar's aggregate classification.

Dr. Peter K. Rogan Lab, Western University
No classification provided (evidence only). Condition: Nonpapillary renal cell carcinoma. Review status: no classification provided. Collection method: in vitro. Allele origin: not applicable. Functional consequence: retained intron. Not counted in ClinVar's aggregate classification.

Dr. Peter K. Rogan Lab, Western University
No classification provided (evidence only). Condition: Nonpapillary renal cell carcinoma. Review status: no classification provided. Collection method: in vitro. Allele origin: not applicable. Functional consequence: retained intron. Not counted in ClinVar's aggregate classification.

Dr. Peter K. Rogan Lab, Western University
No classification provided (evidence only). Condition: Nonpapillary renal cell carcinoma. Review status: no classification provided. Collection method: in vitro. Allele origin: not applicable. Functional consequence: retained intron. Not counted in ClinVar's aggregate classification.

Dr. Peter K. Rogan Lab, Western University
No classification provided (evidence only). Condition: Nonpapillary renal cell carcinoma. Review status: no classification provided. Collection method: in vitro. Allele origin: not applicable. Functional consequence: retained intron. Not counted in ClinVar's aggregate classification.

Dr. Peter K. Rogan Lab, Western University
No classification provided (evidence only). Condition: Nonpapillary renal cell carcinoma. Review status: no classification provided. Collection method: in vitro. Allele origin: not applicable. Functional consequence: retained intron. Not counted in ClinVar's aggregate classification.

Dr. Peter K. Rogan Lab, Western University
No classification provided (evidence only). Condition: Nonpapillary renal cell carcinoma. Review status: no classification provided. Collection method: in vitro. Allele origin: not applicable. Functional consequence: retained intron. Not counted in ClinVar's aggregate classification.

Dr. Peter K. Rogan Lab, Western University
No classification provided (evidence only). Condition: Familial pancreatic carcinoma. Review status: no classification provided. Collection method: in vitro. Allele origin: not applicable. Functional consequence: retained intron. Not counted in ClinVar's aggregate classification.

Dr. Peter K. Rogan Lab, Western University
No classification provided (evidence only). Condition: Familial pancreatic carcinoma. Review status: no classification provided. Collection method: in vitro. Allele origin: not applicable. Functional consequence: retained intron. Not counted in ClinVar's aggregate classification.

Dr. Peter K. Rogan Lab, Western University
No classification provided (evidence only). Condition: Familial pancreatic carcinoma. Review status: no classification provided. Collection method: in vitro. Allele origin: not applicable. Functional consequence: retained intron. Not counted in ClinVar's aggregate classification.

Dr. Peter K. Rogan Lab, Western University
No classification provided (evidence only). Condition: Familial pancreatic carcinoma. Review status: no classification provided. Collection method: in vitro. Allele origin: not applicable. Functional consequence: retained intron. Not counted in ClinVar's aggregate classification.

Dr. Peter K. Rogan Lab, Western University
No classification provided (evidence only). Condition: Familial pancreatic carcinoma. Review status: no classification provided. Collection method: in vitro. Allele origin: not applicable. Functional consequence: retained intron. Not counted in ClinVar's aggregate classification.

Dr. Peter K. Rogan Lab, Western University
No classification provided (evidence only). Condition: Familial pancreatic carcinoma. Review status: no classification provided. Collection method: in vitro. Allele origin: not applicable. Functional consequence: retained intron. Not counted in ClinVar's aggregate classification.

Dr. Peter K. Rogan Lab, Western University
No classification provided (evidence only). Condition: Familial pancreatic carcinoma. Review status: no classification provided. Collection method: in vitro. Allele origin: not applicable. Functional consequence: retained intron. Not counted in ClinVar's aggregate classification.

Dr. Peter K. Rogan Lab, Western University
No classification provided (evidence only). Condition: Familial pancreatic carcinoma. Review status: no classification provided. Collection method: in vitro. Allele origin: not applicable. Functional consequence: retained intron. Not counted in ClinVar's aggregate classification.

Dr. Peter K. Rogan Lab, Western University
No classification provided (evidence only). Condition: Familial pancreatic carcinoma. Review status: no classification provided. Collection method: in vitro. Allele origin: not applicable. Functional consequence: retained intron. Not counted in ClinVar's aggregate classification.

Dr. Peter K. Rogan Lab, Western University
No classification provided (evidence only). Condition: Familial pancreatic carcinoma. Review status: no classification provided. Collection method: in vitro. Allele origin: not applicable. Functional consequence: retained intron. Not counted in ClinVar's aggregate classification.

Dr. Peter K. Rogan Lab, Western University
No classification provided (evidence only). Condition: Hepatocellular carcinoma. Review status: no classification provided. Collection method: in vitro. Allele origin: not applicable. Functional consequence: retained intron. Not counted in ClinVar's aggregate classification.

Dr. Peter K. Rogan Lab, Western University
No classification provided (evidence only). Condition: Ovarian cancer. Review status: no classification provided. Collection method: in vitro. Allele origin: not applicable. Functional consequence: retained intron. Not counted in ClinVar's aggregate classification.

Dr. Peter K. Rogan Lab, Western University
No classification provided (evidence only). Condition: Ovarian cancer. Review status: no classification provided. Collection method: in vitro. Allele origin: not applicable. Functional consequence: retained intron. Not counted in ClinVar's aggregate classification.

Dr. Peter K. Rogan Lab, Western University
No classification provided (evidence only). Condition: Ovarian cancer. Review status: no classification provided. Collection method: in vitro. Allele origin: not applicable. Functional consequence: retained intron. Not counted in ClinVar's aggregate classification.

Dr. Peter K. Rogan Lab, Western University
No classification provided (evidence only). Condition: Ovarian cancer. Review status: no classification provided. Collection method: in vitro. Allele origin: not applicable. Functional consequence: retained intron. Not counted in ClinVar's aggregate classification.

Dr. Peter K. Rogan Lab, Western University
No classification provided (evidence only). Condition: Ovarian cancer. Review status: no classification provided. Collection method: in vitro. Allele origin: not applicable. Functional consequence: retained intron. Not counted in ClinVar's aggregate classification.

Dr. Peter K. Rogan Lab, Western University
No classification provided (evidence only). Condition: Ovarian cancer. Review status: no classification provided. Collection method: in vitro. Allele origin: not applicable. Functional consequence: retained intron. Not counted in ClinVar's aggregate classification.

Dr. Peter K. Rogan Lab, Western University
No classification provided (evidence only). Condition: Ovarian cancer. Review status: no classification provided. Collection method: in vitro. Allele origin: not applicable. Functional consequence: retained intron. Not counted in ClinVar's aggregate classification.

Dr. Peter K. Rogan Lab, Western University
No classification provided (evidence only). Condition: Ovarian cancer. Review status: no classification provided. Collection method: in vitro. Allele origin: not applicable. Functional consequence: retained intron. Not counted in ClinVar's aggregate classification.

Dr. Peter K. Rogan Lab, Western University
No classification provided (evidence only). Condition: Ovarian cancer. Review status: no classification provided. Collection method: in vitro. Allele origin: not applicable. Functional consequence: retained intron. Not counted in ClinVar's aggregate classification.

Dr. Peter K. Rogan Lab, Western University
No classification provided (evidence only). Condition: Ovarian cancer. Review status: no classification provided. Collection method: in vitro. Allele origin: not applicable. Functional consequence: retained intron. Not counted in ClinVar's aggregate classification.

Dr. Peter K. Rogan Lab, Western University
No classification provided (evidence only). Condition: Ovarian cancer. Review status: no classification provided. Collection method: in vitro. Allele origin: not applicable. Functional consequence: retained intron. Not counted in ClinVar's aggregate classification.

Dr. Peter K. Rogan Lab, Western University
No classification provided (evidence only). Condition: Ovarian cancer. Review status: no classification provided. Collection method: in vitro. Allele origin: not applicable. Functional consequence: retained intron. Not counted in ClinVar's aggregate classification.

Dr. Peter K. Rogan Lab, Western University
No classification provided (evidence only). Condition: Ovarian cancer. Review status: no classification provided. Collection method: in vitro. Allele origin: not applicable. Functional consequence: retained intron. Not counted in ClinVar's aggregate classification.

Dr. Peter K. Rogan Lab, Western University
No classification provided (evidence only). Condition: Ovarian cancer. Review status: no classification provided. Collection method: in vitro. Allele origin: not applicable. Functional consequence: retained intron. Not counted in ClinVar's aggregate classification.

Dr. Peter K. Rogan Lab, Western University
No classification provided (evidence only). Condition: Ovarian cancer. Review status: no classification provided. Collection method: in vitro. Allele origin: not applicable. Functional consequence: retained intron. Not counted in ClinVar's aggregate classification.

Joint Genome Diagnostic Labs from Nijmegen and Maastricht, Radboudumc and MUMC+
Classification: Benign. Review status: no assertion criteria provided. Collection method: clinical testing. Allele origin: germline. Affected: yes. Study: VKGL Data-share Consensus. Not counted in ClinVar's aggregate classification.